The following is an entry in ClinVar:

NM_000453.3(SLC5A5):c.586G>A (p.Val196Met)

Gene: SLC5A5 (solute carrier family 5 member 5; plus strand). Cytogenetic location: 19p13.11.
Variant type: single nucleotide variant.
Coding change: c.586G>A on transcript NM_000453.3 (MANE Select); coding-DNA position 586, G replaced by A.
Protein change: p.Val196Met; replaces valine 196 with methionine.
Molecular consequence: missense variant.
Genome position (GRCh38, 1-based): chr19:17,875,994, G>A. VCF-style: chr19-17875994-G-A. GRCh37 (hg19) VCF-style: chr19-17986803-G-A.
Other names: c.319G>A, p.Val107Met (NM_001440707.1); short protein forms V196M, V107M.
Identifiers: ClinVar variation 4978020 (VCV004978020.1).

ClinVar aggregate classification (germline): Uncertain significance (1 of 4 stars; one submission).

Conditions:
SLC5A5-related disorder. Also called: SLC5A5-related condition.

gnomAD v4.1: 336 of 1,614,166 alleles (0.021%); highest among the groups gnomAD compares: Non-Finnish European, 0.027%; no homozygotes.

Submission:

PreventionGenetics, part of Exact Sciences
Classification: Uncertain significance for SLC5A5-related condition. Last evaluated: 2024-12-04. Review status: criteria provided, single submitter. Criteria: ACMG Guidelines, 2015. Collection method: clinical testing. Allele origin: germline.
Comment: The SLC5A5 c.586G>A variant is predicted to result in the amino acid substitution p.Val196Met. To our knowledge, this variant has not been reported in the literature. This variant is reported in 0.015% of alleles in individuals of European (Non-Finnish) descent in gnomAD. At this time, the clinical significance of this variant is uncertain due to the absence of conclusive functional and genetic evidence.